The following is an entry in ClinVar:

NM_206933.4(USH2A):c.6806-3C>T

Gene: USH2A (usherin; minus strand). Cytogenetic location: 1q41.
Variant type: single nucleotide variant.
Coding change: c.6806-3C>T on transcript NM_206933.4 (MANE Select); 3 bases into the intron before coding-DNA position 6806, C replaced by T.
Molecular consequence: intron variant.
Genome position (GRCh38, 1-based): chr1:215,970,779, G>A on the plus strand (C>T on the coding strand, the complement: USH2A is on the minus strand). VCF-style: chr1-215970779-G-A. GRCh37 (hg19) VCF-style: chr1-216144121-G-A.
Identifiers: ClinVar variation 866416 (VCV000866416.5), dbSNP rs775703386, ClinGen allele CA1395022.
Genomic context (GRCh38, chr1:215,970,779, plus strand): 5'-TCTGAGGAATTGTGGATTAATATACCATCTAGATATAATCCATAACTCGTGATAACACCT[G>A]GGAAGATAATAATTGCCTTTCAGTATGACTACTAGACAATAGCAAAGAAGGTCTTAAGAA-3'

ClinVar aggregate classification (germline): Uncertain significance. Review status: criteria provided, multiple submitters, no conflicts (2 of 4 stars). 4 submissions from 3 submitters: Uncertain significance (4). Last evaluated 2023-04-11.

Conditions:
Retinitis pigmentosa 39 (RP39). Identifiers: Orphanet 791, MedGen C3151138, MONDO:0013436, OMIM 613809.
Usher syndrome type 2A. Also called: RETINAL DISEASE IN USHER SYNDROME TYPE IIA, MODIFIER OF; USHER SYNDROME, TYPE IIA. Identifiers: Orphanet 231178, Orphanet 886, MedGen C1848634, MONDO:0010169, OMIM 276901.

Allele frequency attached by ClinVar (database versions not stated): gnomAD exomes below 0.00001 and 0.00001; ExAC 0.00002.
gnomAD v4.1: 2 of 1,613,108 alleles (0.00012%); highest among the groups gnomAD compares: Admixed American, 0.0017%; no homozygotes.

Submissions (4):

Genome-Nilou Lab
Classification: Uncertain significance for Retinitis pigmentosa 39. Last evaluated: 2023-04-11. Review status: criteria provided, single submitter. Criteria: ACMG Guidelines, 2015. Collection method: clinical testing. Allele origin: germline. Affected: no.

Genome-Nilou Lab
Classification: Uncertain significance for Usher syndrome type 2A. Last evaluated: 2023-04-11. Review status: criteria provided, single submitter. Criteria: ACMG Guidelines, 2015. Collection method: clinical testing. Allele origin: germline. Affected: no.

Labcorp Genetics (formerly Invitae), Labcorp
Classification: Uncertain significance. Last evaluated: 2021-08-27. Review status: criteria provided, single submitter. Criteria: Invitae Variant Classification Sherloc (09022015). Collection method: clinical testing. Allele origin: germline.
Comment: This sequence change falls in intron 35 of the USH2A gene. It does not directly change the encoded amino acid sequence of the USH2A protein. It affects a nucleotide within the consensus splice site of the intron. This variant is present in population databases (rs775703386, ExAC 0.02%). This variant has not been reported in the literature in individuals affected with USH2A-related conditions. Variants that disrupt the consensus splice site are a relatively common cause of aberrant splicing (PMID: 17576681, 9536098). Algorithms developed to predict the effect of sequence changes on RNA splicing suggest that this variant is not likely to affect RNA splicing. In summary, the available evidence is currently insufficient to determine the role of this variant in disease. Therefore, it has been classified as a Variant of Uncertain Significance.

Blueprint Genetics
Classification: Uncertain significance. Last evaluated: 2019-08-06. Review status: criteria provided, single submitter. Criteria: ACMG Guidelines, 2015. Collection method: clinical testing. Allele origin: germline.

Literature cited by the submitters: PubMed 17576681 (cited by Labcorp Genetics (formerly Invitae), Labcorp); PubMed 9536098 (cited by Labcorp Genetics (formerly Invitae), Labcorp).